The following is an entry in ClinVar:

ClinVar aggregate classification (germline): Conflicting classifications of pathogenicity. Review status: criteria provided, conflicting classifications (1 of 4 stars). 6 submissions from 6 submitters: Pathogenic (1); Likely pathogenic (2); Uncertain significance (1). 2 of the submissions do not count toward it. Last evaluated 2025-04-01.

Conditions:
Epidermolysis bullosa simplex with nail dystrophy (EBS5D). Identifiers: MedGen C4225309, MONDO:0014661, OMIM 616487.
Epidermolysis bullosa simplex 5C, with pyloric atresia (EBS5C). Also called: PLEC-Related Epidermolysis Bullosa with Pyloric Atresia; PLEC1-Related Epidermolysis Bullosa with Pyloric Atresia; Epidermolysis bullosa simplex with pyloric atresia. Identifiers: Orphanet 158684, MedGen C2677349, MONDO:0012807, OMIM 612138.
Epidermolysis bullosa simplex, Ogna type (EBS5A). Also called: Pidermolysis bullosa simplex 5A, Ogna type; EPIDERMOLYSIS BULLOSA SIMPLEX 5A, OGNA TYPE. Identifiers: Orphanet 79401, MedGen C0432317, MONDO:0007555, OMIM 131950.
Autosomal recessive limb-girdle muscular dystrophy type 2Q (LGMDR17). Also called: MUSCULAR DYSTROPHY, LIMB-GIRDLE, AUTOSOMAL RECESSIVE 17. Identifiers: Orphanet 254361, MedGen C3150989, MONDO:0013390, OMIM 613723.
Epidermolysis bullosa simplex 5B, with muscular dystrophy (EBS5B). Also called: Epidermolysis bullosa simplex with muscular dystrophy; EPIDERMOLYSIS BULLOSA SIMPLEX AND LIMB-GIRDLE MUSCULAR DYSTROPHY. Identifiers: Orphanet 257, MedGen C2931072, MONDO:0009181, OMIM 226670.

Submissions (6):

CeGaT Center for Human Genetics Tuebingen
Classification: Likely pathogenic. Last evaluated: 2025-04-01. Review status: criteria provided, single submitter. Criteria: CeGaT Center For Human Genetics Tuebingen Variant Classification Criteria Version 2. Collection method: clinical testing. Allele origin: germline. Affected: yes. Observed: 1 variant allele.
Comment: PLEC: PM3:Strong, PM2, PM4

Revvity Omics, Revvity
Classification: Likely pathogenic. Last evaluated: 2023-01-20. Review status: criteria provided, single submitter. Criteria: ACMG Guidelines, 2015. Collection method: clinical testing. Allele origin: germline.

Labcorp Genetics (formerly Invitae), Labcorp
Classification: Pathogenic for Autosomal recessive limb-girdle muscular dystrophy type 2Q; Epidermolysis bullosa simplex, Ogna type; Epidermolysis bullosa simplex with nail dystrophy; Epidermolysis bullosa simplex 5C, with pyloric atresia; Epidermolysis bullosa simplex 5B, with muscular dystrophy. Last evaluated: 2020-08-20. Review status: criteria provided, single submitter. Criteria: Invitae Variant Classification Sherloc (09022015). Collection method: clinical testing. Allele origin: germline.
Comment: This variant is not present in population databases (ExAC no frequency). Experimental studies and prediction algorithms are not available or were not evaluated, and the functional significance of this variant is currently unknown. This variant has been observed in individual(s) with autosomal recessive PLEC-related conditions (PMID: 8894687, 15810881, 21674528, Invitae). It has also been observed to segregate with disease in related individuals. For these reasons, this variant has been classified as Pathogenic. This variant, c.2677_2685del, results in the deletion of 3 amino acid(s) of the PLEC protein (p.Gln893_Ala895del), but otherwise preserves the integrity of the reading frame.

Eurofins Ntd Llc (ga)
Classification: Uncertain significance. Last evaluated: 2015-07-06. Review status: criteria provided, single submitter. Criteria: EGL Classification Definitions 2015. Collection method: clinical testing. Allele origin: germline. Observed: 1 variant allele, 1 heterozygote.

OMIM
Classification: Pathogenic for EPIDERMOLYSIS BULLOSA SIMPLEX 5B, WITH MUSCULAR DYSTROPHY. Last evaluated: 1996-10-01. Review status: no assertion criteria provided. Collection method: literature only. Allele origin: germline. Not counted in ClinVar's aggregate classification.

Kasturba Medical College, Manipal, Kasturba Medical College, Manipal, Manipal Academy of Higher Education, Manipal, India
Classification: Likely pathogenic for Epidermolysis bullosa simplex with nail dystrophy. Review status: no assertion criteria provided. Collection method: clinical testing. Allele origin: biparental. Inheritance: Autosomal recessive inheritance. Affected: yes. Observed: 1 homozygote. Not counted in ClinVar's aggregate classification.

Literature cited by the submitters: PubMed 8894687 (cited by 4 submitters); PubMed 15810881 (cited by Labcorp Genetics (formerly Invitae), Labcorp); PubMed 21674528 (cited by Labcorp Genetics (formerly Invitae), Labcorp).

NM_201384.3(PLEC):c.2587CAGGAGGCC[1] (p.863QEA[1])

Gene: PLEC (plectin; minus strand). Cytogenetic location: 8q24.3.
Variant type: Microsatellite.
Coding change: c.2587CAGGAGGCC[1] on transcript NM_201384.3 (MANE Select); one copy of the 9-base unit CAGGAGGCC starting at c.2587; the reference has two copies in a row; one copy, 9 bases deleted; also written c.2596_2604del.
Protein change: p.863QEA[1].
Molecular consequence: inframe deletion.
Genome position (GRCh38, 1-based): chr8:143,930,152-143,930,160, GGCCTCCTG deleted on the plus strand (CAGGAGGCC on the coding strand, the reverse complement: PLEC is on the minus strand); deleting any 9 consecutive bases within chr8:143,930,152-143,930,170 gives the same sequence; the position shown is the placement nearest the transcript's 3' end. VCF-style (leftmost placement, unchanged base first): chr8-143930151-CGGCCTCCTG-C. GRCh37 (hg19) VCF-style: chr8-145004319-CGGCCTCCTG-C.
Other names: PLEC, 9-BP DEL, EX22; c.2677_2685del (NM_000445.3); c.2668CAGGAGGCC[1], p.890QEA[1] (NM_000445.5); c.2545CAGGAGGCC[1], p.849QEA[1] (NM_201378.4); c.2521CAGGAGGCC[1], p.841QEA[1] (NM_201379.3); c.2998CAGGAGGCC[1], p.1000QEA[1] (NM_201380.4); c.2491CAGGAGGCC[1], p.831QEA[1] (NM_201381.3); c.2587CAGGAGGCC[1], p.863QEA[1] (NM_201382.4); and 2 more.
Identifiers: ClinVar variation 8259 (VCV000008259.24), dbSNP rs786205252, ClinGen allele CA249447.